The following is an entry in ClinVar:

ClinVar aggregate classification (germline): Uncertain significance (1 of 4 stars; one submission).

Conditions:
Cardiomyopathy (CMYO). Also called: Cardiomyopathies. Identifiers: Orphanet 167848, MedGen C0878544, MONDO:0004994, HP:0001638. Inheritance: Various modes of inheritance.

Submission:

Color Diagnostics, LLC DBA Color Health
Classification: Uncertain significance for Cardiomyopathy. Last evaluated: 2024-03-06. Review status: criteria provided, single submitter. Criteria: ACMG Guidelines, 2015. Collection method: clinical testing. Allele origin: germline.
Comment: This missense variant replaces lysine with glutamine at codon 1810 of the MYH7 protein. Computational prediction suggests that this variant may have a deleterious impact on protein structure and function (internally defined REVEL score threshold >= 0.7, PMID: 27666373). To our knowledge, functional studies have not been reported for this variant. This variant has not been reported in individuals affected with MYH7-related disorders in the literature. This variant has not been identified in the general population by the Genome Aggregation Database (gnomAD). The available evidence is insufficient to determine the role of this variant in disease conclusively. Therefore, this variant is classified as a Variant of Uncertain Significance.

NM_000257.4(MYH7):c.5428A>C (p.Lys1810Gln)

Gene: MYH7 (myosin heavy chain 7; minus strand). Cytogenetic location: 14q11.2.
Variant type: single nucleotide variant.
Coding change: c.5428A>C on transcript NM_000257.4 (MANE Select); coding-DNA position 5428, A replaced by C.
Protein change: p.Lys1810Gln; replaces lysine 1810 with glutamine.
Molecular consequence: missense variant.
Genome position (GRCh38, 1-based): chr14:23,415,126, T>G on the plus strand (A>C on the coding strand, the complement: MYH7 is on the minus strand). VCF-style: chr14-23415126-T-G. GRCh37 (hg19) VCF-style: chr14-23884335-T-G.
Other names: short protein forms K1810Q.
Identifiers: ClinVar variation 1332527 (VCV001332527.4), dbSNP rs2138638325, ClinGen allele CA389035442.